The following is an entry in ClinVar:

ClinVar aggregate classification (germline): Uncertain significance (1 of 4 stars; one submission).

Submission:

CeGaT Center for Human Genetics Tuebingen
Classification: Uncertain significance. Last evaluated: 2024-12-01. Review status: criteria provided, single submitter. Criteria: CeGaT Center For Human Genetics Tuebingen Variant Classification Criteria Version 2. Collection method: clinical testing. Allele origin: germline. Affected: yes. Observed: 1 variant allele.
Comment: PHF12: PM2

NM_001033561.2(PHF12):c.1690C>T (p.Arg564Ter)

Gene: PHF12 (PHD finger protein 12; minus strand). Cytogenetic location: 17q11.2.
Variant type: single nucleotide variant.
Coding change: c.1690C>T on transcript NM_001033561.2 (MANE Select); coding-DNA position 1690, C replaced by T.
Protein change: p.Arg564Ter; replaces arginine 564 with a stop codon.
Molecular consequence: nonsense.
Genome position (GRCh38, 1-based): chr17:28,912,881, G>A on the plus strand (C>T on the coding strand, the complement: PHF12 is on the minus strand). VCF-style: chr17-28912881-G-A. GRCh37 (hg19) VCF-style: chr17-27239899-G-A.
Other names: c.1690C>T, p.Arg564Ter (NM_001290131.2, NM_020889.3); short protein forms R564*.
Identifiers: ClinVar variation 3772140 (VCV003772140.13).
Genomic context (GRCh38, chr17:28,912,881, plus strand): 5'-GCCGGGGCCAGCCTTGCCGGTGTGAGAGGCCTGGTAGTGGGGTGTTAGCGCCTGGAAGTC[G>A]CCGGGGGTCCGTGGAATCAGTAGGGCTGCTGTAGAGGTGTGGGCCATTAGCTTTCACCTC-3'